The following is an entry in ClinVar:

NM_005862.3(STAG1):c.3692G>A (p.Arg1231Gln)

Gene: STAG1 (STAG1 cohesin complex component; minus strand). Cytogenetic location: 3q22.3.
Variant type: single nucleotide variant.
Coding change: c.3692G>A on transcript NM_005862.3 (MANE Select); coding-DNA position 3692, G replaced by A.
Protein change: p.Arg1231Gln; replaces arginine 1231 with glutamine.
Molecular consequence: missense variant.
Genome position (GRCh38, 1-based): chr3:136,338,431, C>T on the plus strand (G>A on the coding strand, the complement: STAG1 is on the minus strand). VCF-style: chr3-136338431-C-T. GRCh37 (hg19) VCF-style: chr3-136057273-C-T.
Other names: short protein forms R1231Q.
Identifiers: ClinVar variation 2803225 (VCV002803225.3), dbSNP rs1935793739, ClinGen allele CA354651404.
Genomic context (GRCh38, chr3:136,338,431, plus strand): 5'-GAATCATCTTCTATGATAGCTGCAGAGTCAAAGAAGTCTGGCCTTAGCTCAGCTCTCTCT[C>T]GCCGATTTCTTGATGGAGGCTGGAAAGAGAAATCGGTTTCTTAATTTTTTTCTGAGATCA-3'
Protein context (NP_005853.2, residues 1221-1241): VIDLPPSRNR[Arg1231Gln]ERAELRPDFF

ClinVar aggregate classification (germline): Uncertain significance (1 of 4 stars; one submission).

Allele frequency attached by ClinVar (database versions not stated): gnomAD exomes below 0.00001; gnomAD 0.00001.
gnomAD v4.1: 3 of 1,613,750 alleles (0.00019%); highest among the groups gnomAD compares: African/African-American, 0.0013%; no homozygotes.

Submission:

Labcorp Genetics (formerly Invitae), Labcorp
Classification: Uncertain significance. Last evaluated: 2023-05-31. Review status: criteria provided, single submitter. Criteria: Invitae Variant Classification Sherloc (09022015). Collection method: clinical testing. Allele origin: germline.
Comment: In summary, the available evidence is currently insufficient to determine the role of this variant in disease. Therefore, it has been classified as a Variant of Uncertain Significance. Advanced modeling of protein sequence and biophysical properties (such as structural, functional, and spatial information, amino acid conservation, physicochemical variation, residue mobility, and thermodynamic stability) performed at Invitae indicates that this missense variant is not expected to disrupt STAG1 protein function. This variant has not been reported in the literature in individuals affected with STAG1-related conditions. This variant is not present in population databases (gnomAD no frequency). This sequence change replaces arginine, which is basic and polar, with glutamine, which is neutral and polar, at codon 1231 of the STAG1 protein (p.Arg1231Gln).